The following is an entry in ClinVar:

ClinVar aggregate classification (germline): Uncertain significance (1 of 4 stars; one submission).

Allele frequency attached by ClinVar (database versions not stated): gnomAD exomes below 0.00001.
gnomAD v4.1: 1 of 1,602,782 alleles (0.000062%); highest among the groups gnomAD compares: East Asian, 0.0022%; no homozygotes.

Submission:

Labcorp Genetics (formerly Invitae), Labcorp
Classification: Uncertain significance. Last evaluated: 2023-05-24. Review status: criteria provided, single submitter. Criteria: Invitae Variant Classification Sherloc (09022015). Collection method: clinical testing. Allele origin: germline.
Comment: In summary, the available evidence is currently insufficient to determine the role of this variant in disease. Therefore, it has been classified as a Variant of Uncertain Significance. An algorithm developed to predict the effect of missense changes on protein structure and function (PolyPhen-2) suggests that this variant is likely to be disruptive. This variant has not been reported in the literature in individuals affected with TAOK2-related conditions. This variant is not present in population databases (gnomAD no frequency). This sequence change replaces lysine, which is basic and polar, with arginine, which is basic and polar, at codon 595 of the TAOK2 protein (p.Lys595Arg).

NM_016151.4(TAOK2):c.1784A>G (p.Lys595Arg)

Gene: TAOK2 (TAO kinase 2; plus strand). Cytogenetic location: 16p11.2.
Variant type: single nucleotide variant.
Coding change: c.1784A>G on transcript NM_016151.4 (MANE Select); coding-DNA position 1784, A replaced by G.
Protein change: p.Lys595Arg; replaces lysine 595 with arginine.
Molecular consequence: missense variant.
Genome position (GRCh38, 1-based): chr16:29,985,574, A>G. VCF-style: chr16-29985574-A-G. GRCh37 (hg19) VCF-style: chr16-29996895-A-G.
Other names: c.1784A>G, p.Lys595Arg (NM_001252043.2, NM_004783.4); short protein forms K595R.
Identifiers: ClinVar variation 3010384 (VCV003010384.3), dbSNP rs1567246698, ClinGen allele CA395487265.